The following is an entry in ClinVar:

ClinVar aggregate classification (germline): Likely benign. Review status: criteria provided, multiple submitters, no conflicts (2 of 4 stars). 3 submissions from 3 submitters: Likely benign (3). Last evaluated 2026-02-01.

Conditions:
Inborn genetic diseases. Identifiers: MedGen C0950123, MeSH D030342.

Allele frequency attached by ClinVar (database versions not stated): TOPMed below 0.00001; gnomAD 0.00003; 1000 Genomes Project 30x 0.00016; ExAC 0.00018; 1000 Genomes Project 0.00020.
gnomAD v4.1: 90 of 1,613,890 alleles (0.0056%); highest among the groups gnomAD compares: South Asian, 0.097%; 2 homozygotes.

Submissions (3):

CeGaT Center for Human Genetics Tuebingen
Classification: Likely benign. Last evaluated: 2026-02-01. Review status: criteria provided, single submitter. Criteria: CeGaT Center For Human Genetics Tuebingen Variant Classification Criteria Version 2. Collection method: clinical testing. Allele origin: germline. Affected: yes. Observed: 1 variant allele.
Comment: ZNF292: BP4, BS1

Blueprint Genetics
Classification: Likely benign. Last evaluated: 2023-12-04. Review status: criteria provided, single submitter. Criteria: ACMG Guidelines, 2015. Collection method: clinical testing. Allele origin: germline.

Ambry Genetics
Classification: Likely benign for Inborn genetic diseases. Last evaluated: 2021-10-26. Review status: criteria provided, single submitter. Criteria: Ambry Variant Classification Scheme 2023. Collection method: clinical testing. Allele origin: germline.

NM_015021.3(ZNF292):c.3257C>T (p.Thr1086Ile)

Gene: ZNF292 (zinc finger protein 292; plus strand). Cytogenetic location: 6q14.3.
Variant type: single nucleotide variant.
Coding change: c.3257C>T on transcript NM_015021.3 (MANE Select); coding-DNA position 3257, C replaced by T.
Protein change: p.Thr1086Ile; replaces threonine 1086 with isoleucine.
Molecular consequence: missense variant.
Genome position (GRCh38, 1-based): chr6:87,256,886, C>T. VCF-style: chr6-87256886-C-T. GRCh37 (hg19) VCF-style: chr6-87966604-C-T.
Other names: c.2837C>T, p.Thr946Ile (NM_001351444.2); short protein forms T946I, T1086I.
Identifiers: ClinVar variation 3194968 (VCV003194968.6), dbSNP rs577917610, ClinGen allele CA3914094.